The following is an entry in ClinVar:

ClinVar aggregate classification (germline): Uncertain significance. Review status: criteria provided, multiple submitters, no conflicts (2 of 4 stars). 2 submissions from 2 submitters: Uncertain significance (2). Last evaluated 2026-07-07.

Conditions:
Cardiomyopathy (CMYO). Also called: Cardiomyopathies. Identifiers: Orphanet 167848, MedGen C0878544, MONDO:0004994, HP:0001638. Inheritance: Various modes of inheritance.
Hypertrophic cardiomyopathy 6. Identifiers: MedGen C1833236, MONDO:0010946, OMIM 600858.

Submissions (2):

Medgenome Labs Ltd
Classification: Uncertain significance for Hypertrophic cardiomyopathy 6. Last evaluated: 2026-07-07. Review status: criteria provided, single submitter. Criteria: ACMG Guidelines, 2015. Collection method: clinical testing. Allele origin: germline. Affected: yes.

Color Diagnostics, LLC DBA Color Health
Classification: Uncertain significance for Cardiomyopathy. Last evaluated: 2023-12-05. Review status: criteria provided, single submitter. Criteria: ACMG Guidelines, 2015. Collection method: clinical testing. Allele origin: germline.
Comment: This missense variant replaces lysine with glutamic acid at codon 402 of the PRKAG2 protein. Computational prediction tools and conservation analyses suggest that this variant may have deleterious impact on protein structure and function. Splice site prediction tools suggest that this variant may not impact RNA splicing. To our knowledge, functional studies have not been performed for this variant. This variant has not been reported in individuals affected with cardiovascular disorders in the literature. This variant has not been identified in the general population by the Genome Aggregation Database (gnomAD). The available evidence is insufficient to determine the role of this variant in disease conclusively. Therefore, this variant is classified as a Variant of Uncertain Significance.

NM_016203.4(PRKAG2):c.1204A>G (p.Lys402Glu)

Gene: PRKAG2 (protein kinase AMP-activated non-catalytic subunit gamma 2; minus strand). Cytogenetic location: 7q36.1.
Variant type: single nucleotide variant.
Coding change: c.1204A>G on transcript NM_016203.4 (MANE Select); coding-DNA position 1204, A replaced by G.
Protein change: p.Lys402Glu; replaces lysine 402 with glutamic acid.
Molecular consequence: missense variant.
Genome position (GRCh38, 1-based): chr7:151,568,745, T>C on the plus strand (A>G on the coding strand, the complement: PRKAG2 is on the minus strand). VCF-style: chr7-151568745-T-C. GRCh37 (hg19) VCF-style: chr7-151265831-T-C.
Other names: c.1072A>G, p.Lys358Glu (NM_001040633.2); c.829A>G, p.Lys277Glu (NM_001304527.2); c.481A>G, p.Lys161Glu (NM_001304531.2, NM_024429.2); c.832A>G, p.Lys278Glu (NM_001363698.2); short protein forms K277E, K278E, K358E, K402E, K161E.
Identifiers: ClinVar variation 918712 (VCV000918712.6), dbSNP rs1806853581, ClinGen allele CA370071469.